The following is an entry in ClinVar:

NM_003482.4(KMT2D):c.12365G>T (p.Gly4122Val)

Gene: KMT2D (lysine methyltransferase 2D; minus strand). Cytogenetic location: 12q13.12.
Variant type: single nucleotide variant.
Coding change: c.12365G>T on transcript NM_003482.4 (MANE Select); coding-DNA position 12365, G replaced by T.
Protein change: p.Gly4122Val; replaces glycine 4122 with valine.
Molecular consequence: missense variant.
Genome position (GRCh38, 1-based): chr12:49,032,340, C>A on the plus strand (G>T on the coding strand, the complement: KMT2D is on the minus strand). VCF-style: chr12-49032340-C-A. GRCh37 (hg19) VCF-style: chr12-49426123-C-A.
Other names: short protein forms G4122V.
Identifiers: ClinVar variation 1719274 (VCV001719274.5), dbSNP rs1942961734, ClinGen allele CA384711923.

ClinVar aggregate classification (germline): Uncertain significance (1 of 4 stars; one submission).

Conditions:
Kabuki syndrome. Also called: Kabuki make-up syndrome; NIIKAWA-KUROKI SYNDROME. Identifiers: Orphanet 2322, MedGen C0796004, MONDO:0016512.

Submission:

Labcorp Genetics (formerly Invitae), Labcorp
Classification: Uncertain significance for Kabuki syndrome. Last evaluated: 2022-09-12. Review status: criteria provided, single submitter. Criteria: Invitae Variant Classification Sherloc (09022015). Collection method: clinical testing. Allele origin: germline.
Comment: This sequence change replaces glycine, which is neutral and non-polar, with valine, which is neutral and non-polar, at codon 4122 of the KMT2D protein (p.Gly4122Val). This variant is not present in population databases (gnomAD no frequency). This variant has not been reported in the literature in individuals affected with KMT2D-related conditions. Advanced modeling of protein sequence and biophysical properties (such as structural, functional, and spatial information, amino acid conservation, physicochemical variation, residue mobility, and thermodynamic stability) performed at Invitae indicates that this missense variant is not expected to disrupt KMT2D protein function. In summary, the available evidence is currently insufficient to determine the role of this variant in disease. Therefore, it has been classified as a Variant of Uncertain Significance.